The following is an entry in ClinVar:

ClinVar aggregate classification (germline): Uncertain significance. Review status: criteria provided, multiple submitters, no conflicts (2 of 4 stars). 3 submissions from 3 submitters: Uncertain significance (3). Last evaluated 2025-09-09.

Conditions:
Agammaglobulinemia 2, autosomal recessive (AGM2). Also called: AGAMMAGLOBULINEMIA, AUTOSOMAL RECESSIVE, DUE TO IGLL1 DEFECT. Identifiers: MedGen C3150750, MONDO:0013287, OMIM 613500.

Allele frequency attached by ClinVar (database versions not stated): TOPMed 0.00006; gnomAD 0.00008 and 0.00009.
gnomAD v4.1: 164 of 1,543,498 alleles (0.011%); highest among the groups gnomAD compares: African/African-American, 0.015%; no homozygotes.

Submissions (3):

Labcorp Genetics (formerly Invitae), Labcorp
Classification: Uncertain significance for Agammaglobulinemia 2, autosomal recessive. Last evaluated: 2025-09-09. Review status: criteria provided, single submitter. Criteria: Invitae Variant Classification Sherloc (09022015). Collection method: clinical testing. Allele origin: germline.
Comment: This sequence change replaces glutamine, which is neutral and polar, with histidine, which is basic and polar, at codon 7 of the IGLL1 protein (p.Gln7His). This variant is present in population databases (no rsID available, gnomAD 0.006%). This variant has not been reported in the literature in individuals affected with IGLL1-related conditions. ClinVar contains an entry for this variant (Variation ID: 576645). An algorithm developed to predict the effect of missense changes on protein structure and function (PolyPhen-2) suggests that this variant is likely to be disruptive. In summary, the available evidence is currently insufficient to determine the role of this variant in disease. Therefore, it has been classified as a Variant of Uncertain Significance.

Ambry Genetics
Classification: Uncertain significance. Last evaluated: 2023-12-16. Review status: criteria provided, single submitter. Criteria: Ambry Variant Classification Scheme 2023. Collection method: clinical testing. Allele origin: germline.

Revvity Omics, Revvity
Classification: Uncertain significance for Agammaglobulinemia 2, autosomal recessive. Last evaluated: 2021-08-13. Review status: criteria provided, single submitter. Criteria: ACMG Guidelines, 2015. Collection method: clinical testing. Allele origin: germline.

NM_020070.4(IGLL1):c.21G>C (p.Gln7His)

Gene: IGLL1 (immunoglobulin lambda like polypeptide 1; minus strand). Cytogenetic location: 22q11.23.
Variant type: single nucleotide variant.
Coding change: c.21G>C on transcript NM_020070.4 (MANE Select); coding-DNA position 21, G replaced by C.
Protein change: p.Gln7His; replaces glutamine 7 with histidine.
Molecular consequence: missense variant.
Genome position (GRCh38, 1-based): chr22:23,580,170, C>G on the plus strand (G>C on the coding strand, the complement: IGLL1 is on the minus strand). VCF-style: chr22-23580170-C-G. GRCh37 (hg19) VCF-style: chr22-23922357-C-G.
Other names: c.21G>C, p.Gln7His (NM_001369906.1, NM_152855.3); c.21G>C (NM_020070.2); short protein forms Q7H.
Identifiers: ClinVar variation 576645 (VCV000576645.12), dbSNP rs1044209410, ClinGen allele CA322558110.
Genomic context (GRCh38, chr22:23,580,170, plus strand): 5'-CAGCAGGGGCCAGCGCTGCCTGAGGTTGGGGCCTGGCTCACCAGGGGCCTCAAGGCCCCC[C>G]TGGCCTGTCCCTGGCCTCATCGGCCCTCAGGGTCAGAGGTCCTTGTGGCCTGACTTGCAG-3'
Protein context (NP_064455.1, residues 1-17): MRPGTG[Gln7His]GGLEAPGEPG